The following is an entry in ClinVar:

ClinVar aggregate classification (germline): Pathogenic. Review status: criteria provided, multiple submitters, no conflicts (2 of 4 stars). 7 submissions from 7 submitters: Pathogenic (7). Last evaluated 2026-04-01.

Conditions:
Cardiovascular phenotype. Identifiers: MedGen CN230736.
Hereditary cancer-predisposing syndrome. Also called: Neoplastic Syndromes, Hereditary; Tumor predisposition; Hereditary Cancer Syndrome; Hereditary neoplastic syndrome. Identifiers: Orphanet 140162, MedGen C0027672, MeSH D009386, MONDO:0015356.
NF1-related disorder. Also called: NF1-related condition. Identifiers: MedGen CN379171.
Neurofibromatosis, type 1 (NF1). Also called: VON RECKLINGHAUSEN DISEASE; NEUROFIBROMATOSIS, TYPE I, SOMATIC; Peripheral type neurofibromatosis; Neurofibromatosis, type I. Identifiers: Orphanet 636, MedGen C0027831, MONDO:0018975, OMIM 162200. Disease mechanism: loss of function.

gnomAD v4.1: 1 of 1,612,662 alleles (0.000062%); no homozygotes.

Submissions (8):

Department of Genetics, Sultan Qaboos University Hospital
Classification: Pathogenic for Neurofibromatosis, type 1. Last evaluated: 2026-04-01. Review status: criteria provided, single submitter. Criteria: ACMG Guidelines, 2015. Collection method: clinical testing. Allele origin: germline. Affected: yes. Observed: 1 variant allele.
Comment: PVS1_Moderate,PM2,PP5_Very_Strong

Labcorp Genetics (formerly Invitae), Labcorp
Classification: Pathogenic for Neurofibromatosis, type 1. Last evaluated: 2026-01-05. Review status: criteria provided, single submitter. Criteria: Invitae Variant Classification Sherloc (09022015). Collection method: clinical testing. Allele origin: germline.
Comment: This sequence change affects a donor splice site in intron 13 of the NF1 gene. It is expected to disrupt RNA splicing. Variants that disrupt the donor or acceptor splice site typically lead to a loss of protein function (PMID: 16199547), and loss-of-function variants in NF1 are known to be pathogenic (PMID: 10712197, 23913538). This variant is not present in population databases (gnomAD no frequency). Disruption of this splice site has been observed in individual(s) with neurofibromatosis type 1 (PMID: 15060124, 18546366, 29618358, 31717729). In at least one individual the variant was observed to be de novo. Invitae Evidence Modeling of clinical and family history, age, sex, and reported ancestry of multiple individuals with this NF1 variant has been performed. This variant is expected to be pathogenic with a positive predictive value of at least 99%. This is a validated machine learning model that incorporates the clinical features of 1,785,918 individuals referred to our laboratory for NF1 testing. ClinVar contains an entry for this variant (Variation ID: 404540). Studies have shown that disruption of this splice site alters mRNA splicing and is expected to lead to the loss of protein expression (PMID: 18546366). For these reasons, this variant has been classified as Pathogenic.

Quest Diagnostics Nichols Institute San Juan Capistrano
Classification: Pathogenic. Last evaluated: 2025-08-20. Review status: criteria provided, single submitter. Criteria: Quest Diagnostics criteria. Collection method: clinical testing. Allele origin: unknown.
Comment: The NF1 c.1527+1G>T variant disrupts a canonical splice-donor site and interferes with normal NF1 mRNA splicing, resulting in the loss of an exon (PMIDs: 27074763 (2016), 23913538 (2013), 18546366 (2008))). In the published literature, this variant has been reported in multiple individuals with neurofibromatosis 1 (PMIDs: 31717729 (2019), 29618358 (2018), 27074763 (2016), 26969325 (2016), 23913538 (2013), 18546366 (2008)). This variant has not been reported in large, multi-ethnic general populations (Genome Aggregation Database). Based on the available information, this variant is classified as pathogenic.

GeneDx
Classification: Pathogenic. Last evaluated: 2025-05-07. Review status: criteria provided, single submitter. Criteria: GeneDx Variant Classification Process June 2021. Collection method: clinical testing. Allele origin: germline.
Comment: Canonical splice site variant predicted to result in an in-frame loss of the adjacent exon in a gene for which loss of function is a known mechanism of disease; Observed in multiple unrelated patients from different ethnic backgrounds with suspected or clinically diagnosed neurofibromatosis type 1 referred for genetic testing at GeneDx and in published literature (PMID: 31717729, 29618358, 18546366, Kiraz A et al. (2023) Erciyes Med J. 45 (2):152-8); Published functional studies support a damaging effect: demonstrating an impact on mRNA splicing and protein function disruption (PMID: 18546366); Not observed at significant frequency in large population cohorts (gnomAD); Deletions involving coding exons of this gene are a known mechanism of disease (HGMD); This variant is associated with the following publications: (PMID: 25525159, 26056819, 29618358, 15060124, 37450852, 38655100, 18546366, Kiraz_2023, 31717729)

Ambry Genetics
Classification: Pathogenic for Cardiovascular phenotype; Hereditary cancer-predisposing syndrome. Last evaluated: 2024-07-26. Review status: criteria provided, single submitter. Criteria: Ambry Variant Classification Scheme 2023. Collection method: clinical testing. Allele origin: germline.
Comment: The c.1527+1G>T intronic pathogenic mutation results from a G to T substitution one nucleotide after coding exon 13 of the NF1 gene. This mutation has been identified in an individual with clinically diagnosed neurofibromatosis type 1 (NF1) with an optic pathway glioma (Hutter S et al. Hum. Genet., 2016 May;135:469-75). This mutation has also been identified in another individual with clinically diagnosed or suspected NF1 and was found to cause aberrant splicing leading to the skipping of exon 10b (Pros E et al. Hum. Mutat., 2008 Sep;29:E173-93; Ambry internal data). In addition to the clinical data presented in the literature, alterations that disrupt the canonical splice site are expected to cause aberrant splicing, resulting in an abnormal protein or a transcript that is subject to nonsense-mediated mRNA decay. As such, this alteration is classified as a disease-causing mutation.

Revvity Omics, Revvity
Classification: Pathogenic. Last evaluated: 2022-09-23. Review status: criteria provided, single submitter. Criteria: ACMG Guidelines, 2015. Collection method: clinical testing. Allele origin: germline.

Blueprint Genetics
Classification: Pathogenic for NF1-related disorders. Last evaluated: 2020-08-14. Review status: criteria provided, single submitter. Criteria: ACMG Guidelines, 2015. Collection method: clinical testing. Allele origin: germline. Affected: yes. Observed: 1 variant allele.

Dr. Peter K. Rogan Lab, Western University
No classification provided (evidence only). Condition: Pheochromocytoma/paraganglioma syndrome 1. Review status: no classification provided. Collection method: in vitro. Allele origin: not applicable. Functional consequence: skipped exon. Not counted in ClinVar's aggregate classification.

Literature cited by the submitters: PubMed 16199547 (cited by Labcorp Genetics (formerly Invitae), Labcorp); PubMed 10712197 (cited by Labcorp Genetics (formerly Invitae), Labcorp); PubMed 23913538 (cited by Labcorp Genetics (formerly Invitae), Labcorp); PubMed 15060124 (cited by Labcorp Genetics (formerly Invitae), Labcorp); PubMed 18546366 (cited by Labcorp Genetics (formerly Invitae), Labcorp and Ambry Genetics); PubMed 29618358 (cited by Labcorp Genetics (formerly Invitae), Labcorp); PubMed 31717729 (cited by Labcorp Genetics (formerly Invitae), Labcorp and Ambry Genetics); PubMed 26056819 (cited by Ambry Genetics); PubMed 26969325 (cited by Ambry Genetics).

NM_001042492.3(NF1):c.1527+1G>T

Gene: NF1 (neurofibromin 1; plus strand). Cytogenetic location: 17q11.2.
Variant type: single nucleotide variant.
Coding change: c.1527+1G>T on transcript NM_001042492.3 (MANE Select); the canonical splice donor site of the intron after coding-DNA position 1527, G replaced by T.
Molecular consequence: splice donor variant.
Genome position (GRCh38, 1-based): chr17:31,214,586, G>T. VCF-style: chr17-31214586-G-T. GRCh37 (hg19) VCF-style: chr17-29541604-G-T.
Other names: c.1527+1G>T (NM_000267.4, NM_001128147.3).
Identifiers: ClinVar variation 404540 (VCV000404540.19), dbSNP rs1060500331, ClinGen allele CA16615446.